The following is an entry in ClinVar:

ClinVar aggregate classification (germline): Uncertain significance (1 of 4 stars; one submission).

Submission:

GeneDx
Classification: Uncertain significance. Last evaluated: 2025-07-22. Review status: criteria provided, single submitter. Criteria: GeneDx Variant Classification Process June 2021. Collection method: clinical testing. Allele origin: germline. Affected: yes.
Comment: Not observed at significant frequency in large population cohorts (gnomAD); In silico analysis suggests that this missense variant does not alter protein structure/function; Has not been previously published as pathogenic or benign to our knowledge; This substitution is predicted to be within the cytoplasmic loop between the first and second homologous domains

NM_001165963.4(SCN1A):c.1490G>A (p.Arg497Lys)

Gene: SCN1A (sodium voltage-gated channel alpha subunit 1; minus strand). Cytogenetic location: 2q24.3.
Variant type: single nucleotide variant.
Coding change: c.1490G>A on transcript NM_001165963.4 (MANE Select); coding-DNA position 1490, G replaced by A.
Protein change: p.Arg497Lys; replaces arginine 497 with lysine.
Molecular consequence: missense variant. On other transcripts: 5 prime UTR variant (1), non-coding transcript variant (1).
Genome position (GRCh38, 1-based): chr2:166,045,215, C>T on the plus strand (G>A on the coding strand, the complement: SCN1A is on the minus strand). VCF-style: chr2-166045215-C-T. GRCh37 (hg19) VCF-style: chr2-166901725-C-T.
Other names: c.1490G>A, p.Arg497Lys (NM_001202435.3, NM_001353948.2, NM_001353949.2 and 7 more transcripts); c.1487G>A, p.Arg496Lys (NM_001353954.2, NM_001353955.2, NM_001353960.2); c.-936G>A (NM_001353961.2); short protein forms R496K, R497K.
Identifiers: ClinVar variation 4687004 (VCV004687004.1).